The following is an entry in ClinVar:

ClinVar aggregate classification (germline): Benign/Likely benign. Review status: criteria provided, multiple submitters, no conflicts (2 of 4 stars). 7 submissions from 7 submitters: Benign (1); Likely benign (6). Last evaluated 2026-01-22.

Conditions:
LAMP2-related disorder. Also called: LAMP2-related condition.
Danon disease. Also called: ANTOPOL DISEASE; GSD IIb; LYSOSOMAL GLYCOGEN STORAGE DISEASE WITHOUT ACID MALTASE DEFICIENCY; Glycogen Storage Disease Type IIb; PSEUDOGLYCOGENOSIS II. Identifiers: Orphanet 34587, MedGen C0878677, MONDO:0010281, OMIM 300257.
Cardiovascular phenotype. Identifiers: MedGen CN230736.

Submissions (7):

Labcorp Genetics (formerly Invitae), Labcorp
Classification: Benign for Danon disease. Last evaluated: 2026-01-22. Review status: criteria provided, single submitter. Criteria: Invitae Variant Classification Sherloc (09022015). Collection method: clinical testing. Allele origin: germline.

PreventionGenetics, part of Exact Sciences
Classification: Likely benign for LAMP2-related condition. Last evaluated: 2025-11-10. Review status: criteria provided, single submitter. Criteria: ACMG Guidelines, 2015. Collection method: clinical testing. Allele origin: germline.
Comment: This variant is classified as likely benign based on ACMG/AMP sequence variant interpretation guidelines (Richards et al. 2015 PMID: 25741868, with internal and published modifications).

Molecular Diagnostic Laboratory for Inherited Cardiovascular Disease, Montreal Heart Institute
Classification: Likely benign. Last evaluated: 2025-04-09. Review status: criteria provided, single submitter. Criteria: ACMG Guidelines, 2015. Collection method: clinical testing. Allele origin: germline. Affected: no.

Ambry Genetics
Classification: Likely benign for Cardiovascular phenotype. Last evaluated: 2023-03-06. Review status: criteria provided, single submitter. Criteria: Ambry Variant Classification Scheme 2023. Collection method: clinical testing. Allele origin: germline.

Blueprint Genetics
Classification: Likely benign. Last evaluated: 2021-11-26. Review status: criteria provided, single submitter. Criteria: ACMG Guidelines, 2015. Collection method: clinical testing. Allele origin: germline.

Fulgent Genetics
Classification: Likely benign for Danon disease. Last evaluated: 2021-09-27. Review status: criteria provided, single submitter. Criteria: ACMG Guidelines, 2015. Collection method: clinical testing. Allele origin: unknown.

GeneDx
Classification: Likely benign. Last evaluated: 2019-01-28. Review status: criteria provided, single submitter. Criteria: GeneDx Variant Classification Process June 2021. Collection method: clinical testing. Allele origin: germline. Affected: yes.

NM_002294.3(LAMP2):c.742-7_742-5del

Gene: LAMP2 (lysosome associated membrane protein 2; minus strand). Cytogenetic location: Xq24.
Variant type: Deletion.
Coding change: c.742-7_742-5del on transcript NM_002294.3 (MANE Select); 7 bases into the intron before coding-DNA position 742 through 5 bases into the intron before coding-DNA position 742, 3 bases deleted (CCT; older notation c.742-7_742-5delCCT).
Molecular consequence: intron variant.
Genome position (GRCh38, 1-based): chrX:120,446,432-120,446,434, AGG deleted on the plus strand (CCT on the coding strand, the reverse complement: LAMP2 is on the minus strand); deleting any 3 consecutive bases within chrX:120,446,432-120,446,436 gives the same sequence; the c. name uses the placement nearest the transcript's 3' end. VCF-style (leftmost placement, unchanged base first): chrX-120446431-CAGG-C. GRCh37 (hg19) VCF-style: chrX-119580286-CAGG-C.
Other names: c.742-7_742-5del (NM_001122606.1, NM_013995.2); c.742-7_742-5delCCT (NM_002294.2).
Identifiers: ClinVar variation 513812 (VCV000513812.19), dbSNP rs779710402, ClinGen allele CA10505260.